The following is an entry in ClinVar:

ClinVar aggregate classification (germline): Benign. Review status: criteria provided, multiple submitters, no conflicts (2 of 4 stars). 2 submissions from 2 submitters: Benign (2). Last evaluated 2016-03-29.

Allele frequency attached by ClinVar (database versions not stated): gnomAD 0.56101 and 0.56435; TOPMed 0.56547; 1000 Genomes Project 30x 0.59275.

Submissions (2):

Laboratory for Molecular Medicine, Mass General Brigham Personalized Medicine
Classification: Benign. Last evaluated: 2016-03-29. Review status: criteria provided, single submitter. Criteria: LMM Criteria. Collection method: clinical testing. Allele origin: germline.
Comment: Variant identified in a genome or exome case(s) and assessed due to predicted null impact of the variant or pathogenic assertions in the literature or databases. Disclaimer: This variant has not undergone full assessment. The following are preliminary notes: Frequency

Breakthrough Genomics
Classification: Benign. Review status: criteria provided, single submitter. Criteria: ACMG Guidelines, 2015. Collection method: not provided. Allele origin: germline. Inheritance: Unknown mechanism. Affected: yes.

NM_001366028.2(DNAH12):c.6948+922=

Gene: DNAH12 (dynein axonemal heavy chain 12; minus strand). Cytogenetic location: 3p14.3.
Variant type: single nucleotide variant.
Coding change: c.6948+922= on transcript NM_001366028.2 (MANE Select); 922 bases into the intron after coding-DNA position 6948, no change from the reference sequence.
Molecular consequence: intron variant.
Genome position: GRCh38 VCF-style: chr3-57402387-T-T. GRCh37 (hg19) VCF-style: chr3-57388114-C-T.
Identifiers: ClinVar variation 402632 (VCV000402632.5), dbSNP rs6445873.